The following is an entry in ClinVar:

ClinVar aggregate classification (germline): Uncertain significance. Review status: criteria provided, multiple submitters, no conflicts (2 of 4 stars). 2 submissions from 2 submitters: Uncertain significance (2). Last evaluated 2025-10-02.

Conditions:
Holoprosencephaly 9 (HPE9). Also called: PITUITARY ANOMALIES WITH HOLOPROSENCEPHALY-LIKE FEATURES; HOLOPROSENCEPHALY WITH MICROPHTHALMIA AND FIRST BRANCHIAL ARCH ANOMALIES. Identifiers: Orphanet 2162, MedGen C1835819, MONDO:0012563, OMIM 610829.
Postaxial polydactyly-anterior pituitary anomalies-facial dysmorphism syndrome. Also called: Culler-Jones syndrome. Identifiers: Orphanet 420584, MedGen C4014479, MONDO:0014369, OMIM 615849.

Allele frequency attached by ClinVar (database versions not stated): ExAC 0.00003; gnomAD exomes 0.00001; TOPMed 0.00003.
gnomAD v4.1: 16 of 1,614,158 alleles (0.00099%); highest among the groups gnomAD compares: Admixed American, 0.015%; 1 homozygote.

Submissions (2):

Labcorp Genetics (formerly Invitae), Labcorp
Classification: Uncertain significance for Postaxial polydactyly-anterior pituitary anomalies-facial dysmorphism syndrome; Holoprosencephaly 9. Last evaluated: 2025-10-02. Review status: criteria provided, single submitter. Criteria: Invitae Variant Classification Sherloc (09022015). Collection method: clinical testing. Allele origin: germline.
Comment: This sequence change replaces lysine, which is basic and polar, with threonine, which is neutral and polar, at codon 482 of the GLI2 protein (p.Lys482Thr). This variant is present in population databases (rs773737195, gnomAD 0.02%). This variant has not been reported in the literature in individuals affected with GLI2-related conditions. ClinVar contains an entry for this variant (Variation ID: 2637675). Invitae Evidence Modeling of protein sequence and biophysical properties (such as structural, functional, and spatial information, amino acid conservation, physicochemical variation, residue mobility, and thermodynamic stability) indicates that this missense variant is expected to disrupt GLI2 protein function with a positive predictive value of 80%. In summary, the available evidence is currently insufficient to determine the role of this variant in disease. Therefore, it has been classified as a Variant of Uncertain Significance.

Women's Health and Genetics/Laboratory Corporation of America, LabCorp
Classification: Uncertain significance. Last evaluated: 2023-10-11. Review status: criteria provided, single submitter. Criteria: LabCorp Variant Classification Summary - May 2015. Collection method: clinical testing. Allele origin: germline.
Comment: Variant summary: GLI2 c.1445A>C (p.Lys482Thr) results in a non-conservative amino acid change located in the Zinc finger C2H2-type domain (IPR013087) of the encoded protein sequence. Three of three in-silico tools predict a damaging effect of the variant on protein function. The variant allele was found at a frequency of 3.2e-05 in 251396 control chromosomes (gnomAD). The available data on variant occurrences in the general population are insufficient to allow any conclusion about variant significance. c.1445A>C has been reported in the literature in one individual affected with clinically suspected Maturity-Onset Diabetes of the Young (Tosur_2021). The report does not provide unequivocal conclusions about association of the variant with GLI2-Related Disorders. To our knowledge, no experimental evidence demonstrating an impact on protein function has been reported. The following publication have been ascertained in the context of this evaluation (PMID: 34387403). No submitters have cited clinical-significance assessments for this variant to ClinVar after 2014. Based on the evidence outlined above, the variant was classified as uncertain significance.

Literature cited by the submitters: PubMed 34387403 (cited by Women's Health and Genetics/Laboratory Corporation of America, LabCorp).

NM_001374353.1(GLI2):c.1394A>C (p.Lys465Thr)

Gene: GLI2 (GLI family zinc finger 2; plus strand). Cytogenetic location: 2q14.2.
Variant type: single nucleotide variant.
Coding change: c.1394A>C on transcript NM_001374353.1 (MANE Select); coding-DNA position 1394, A replaced by C.
Protein change: p.Lys465Thr; replaces lysine 465 with threonine.
Molecular consequence: missense variant.
Genome position (GRCh38, 1-based): chr2:120,978,510, A>C. VCF-style: chr2-120978510-A-C. GRCh37 (hg19) VCF-style: chr2-121736086-A-C.
Other names: c.1445A>C, p.Lys482Thr (NM_001371271.1, NM_005270.5); c.1019A>C, p.Lys340Thr (NM_001374354.1); short protein forms K340T, K465T, K482T.
Identifiers: ClinVar variation 2637675 (VCV002637675.3), dbSNP rs773737195, ClinGen allele CA1851906.